The following is an entry in ClinVar:

ClinVar aggregate classification (germline): Uncertain significance. Review status: criteria provided, multiple submitters, no conflicts (2 of 4 stars). 2 submissions from 2 submitters: Uncertain significance (2). Last evaluated 2024-06-23.

Conditions:
Inborn genetic diseases. Identifiers: MedGen C0950123, MeSH D030342.

Allele frequency attached by ClinVar (database versions not stated): gnomAD 0.00001.
gnomAD v4.1: 5 of 1,614,012 alleles (0.00031%); highest among the groups gnomAD compares: Admixed American, 0.005%; no homozygotes.

Submissions (2):

Labcorp Genetics (formerly Invitae), Labcorp
Classification: Uncertain significance. Last evaluated: 2024-06-23. Review status: criteria provided, single submitter. Criteria: Invitae Variant Classification Sherloc (09022015). Collection method: clinical testing. Allele origin: germline.
Comment: This sequence change replaces glycine, which is neutral and non-polar, with arginine, which is basic and polar, at codon 431 of the CFB protein (p.Gly431Arg). This variant is present in population databases (rs772954304, gnomAD 0.006%). This variant has not been reported in the literature in individuals affected with CFB-related conditions. Advanced modeling of protein sequence and biophysical properties (such as structural, functional, and spatial information, amino acid conservation, physicochemical variation, residue mobility, and thermodynamic stability) performed at Invitae indicates that this missense variant is expected to disrupt CFB protein function with a positive predictive value of 80%. In summary, the available evidence is currently insufficient to determine the role of this variant in disease. Therefore, it has been classified as a Variant of Uncertain Significance.

Ambry Genetics
Classification: Uncertain significance for Inborn genetic diseases. Last evaluated: 2024-03-12. Review status: criteria provided, single submitter. Criteria: Ambry Variant Classification Scheme 2023. Collection method: clinical testing. Allele origin: germline.

NM_001710.6(CFB):c.1291G>A (p.Gly431Arg)

Gene: CFB (complement factor B; plus strand). Cytogenetic location: 6p21.33.
Variant type: single nucleotide variant.
Coding change: c.1291G>A on transcript NM_001710.6 (MANE Select); coding-DNA position 1291, G replaced by A.
Protein change: p.Gly431Arg; replaces glycine 431 with arginine.
Molecular consequence: missense variant.
Genome position (GRCh38, 1-based): chr6:31,949,440, G>A. VCF-style: chr6-31949440-G-A. GRCh37 (hg19) VCF-style: chr6-31917217-G-A.
Other names: short protein forms G431R.
Identifiers: ClinVar variation 3143772 (VCV003143772.3), dbSNP rs772954304, ClinGen allele CA136895387.